The following is an entry in ClinVar:

ClinVar aggregate classification (germline): Pathogenic. Review status: criteria provided, multiple submitters, no conflicts (2 of 4 stars). 2 submissions from 2 submitters: Pathogenic (2). Last evaluated 2026-02-18.

Conditions:
Lynch syndrome 5 (LYNCH5). Also called: Colorectal cancer, hereditary nonpolyposis, type 5; Hereditary non-polyposis colorectal cancer, type 5. Identifiers: Orphanet 144, MedGen C1833477, MONDO:0013710, OMIM 614350. Disease mechanism: loss of function.
Hereditary nonpolyposis colorectal neoplasms. Identifiers: MedGen C0009405, MeSH D003123.

Submissions (2):

Myriad Genetics, Inc.
Classification: Pathogenic for Lynch syndrome 5. Last evaluated: 2026-02-18. Review status: criteria provided, single submitter. Criteria: Myriad Autosomal Dominant, Autosomal Recessive and X-Linked Classification Criteria (2023). Collection method: clinical testing. Allele origin: unknown.
Comment: This variant is considered pathogenic. This variant creates a frameshift predicted to result in premature protein truncation.

Labcorp Genetics (formerly Invitae), Labcorp
Classification: Pathogenic for Hereditary nonpolyposis colorectal neoplasms. Last evaluated: 2022-10-20. Review status: criteria provided, single submitter. Criteria: Invitae Variant Classification Sherloc (09022015). Collection method: clinical testing. Allele origin: germline.
Comment: This sequence change creates a premature translational stop signal (p.Met1074Tyrfs*19) in the MSH6 gene. It is expected to result in an absent or disrupted protein product. Loss-of-function variants in MSH6 are known to be pathogenic (PMID: 18269114, 24362816). This variant is not present in population databases (gnomAD no frequency). This variant has not been reported in the literature in individuals affected with MSH6-related conditions. For these reasons, this variant has been classified as Pathogenic.

Literature cited by the submitters: PubMed 18269114 (cited by Labcorp Genetics (formerly Invitae), Labcorp); PubMed 24362816 (cited by Labcorp Genetics (formerly Invitae), Labcorp).

NM_000179.3(MSH6):c.3218dup (p.Met1074fs)

Gene: MSH6 (mutS homolog 6; plus strand). Cytogenetic location: 2p16.3.
Variant type: Duplication.
Coding change: c.3218dup on transcript NM_000179.3 (MANE Select); coding-DNA position 3218, one base duplicated (C; older notation c.3218dupC).
Protein change: p.Met1074fs; shifts the reading frame from methionine 1074.
Molecular consequence: frameshift variant. On other transcripts: 5 prime UTR variant (1), non-coding transcript variant (5), intron variant (1).
Genome position (GRCh38, 1-based): chr2:47,803,465, C duplicated; the last of 2 consecutive C bases (chr2:47,803,464-47,803,465); duplicating either gives the same sequence. VCF-style (leftmost placement, unchanged base first): chr2-47803463-T-TC. GRCh37 (hg19) VCF-style: chr2-48030602-T-TC.
Other names: c.2828dup, p.Met944fs (NM_001281492.2); c.2312dup, p.Met772fs (NM_001281493.2, NM_001281494.2, NM_001406811.1 and 6 more transcripts); c.3314dup, p.Met1106fs (NM_001406795.1, NM_001406802.1); c.3218dup, p.Met1074fs (NM_001406796.1, NM_001406800.1, NM_001406808.1 and 1 more transcripts); c.2921dup, p.Met975fs (NM_001406797.1, NM_001406801.1, NM_001406805.1 and 10 more transcripts); c.2693dup, p.Met899fs (NM_001406799.1, NM_001406806.1, NM_001406807.1); c.2354dup, p.Met786fs (NM_001406803.1); c.3140dup, p.Met1048fs (NM_001406804.1); and 7 more; short protein forms M1048fs, M1074fs, M899fs, M944fs, M975fs, M1106fs, M23fs, M552fs.
Identifiers: ClinVar variation 2809108 (VCV002809108.4), dbSNP rs2530760406, ClinGen allele CA2739274382.
Genomic context (GRCh38, chr2:47,803,463, plus strand): 5'-ACCCTCTCTTTTAACAGATGTTTTACTGTGCCTGGCTAACTATAGTCGAGGGGGTGATGG[T>TC]CCTATGTGTCGCCCAGTAATTCTGTTGCCGGAAGATACCCCCCCCTTCTTAGAGCTTAAA-3'